The following is an entry in ClinVar:

NM_003809.3(TNFSF12):c.376G>A (p.Val126Met)

Genes: TNFSF12 (TNF superfamily member 12; plus strand), TNFSF12-TNFSF13 (TNFSF12-TNFSF13 readthrough; plus strand). Cytogenetic location: 17p13.1.
Variant type: single nucleotide variant.
Coding change: c.376G>A on transcript NM_003809.3 (MANE Select); coding-DNA position 376, G replaced by A.
Protein change: p.Val126Met; replaces valine 126 with methionine.
Molecular consequence: missense variant. On other transcripts: non-coding transcript variant (1).
Genome position (GRCh38, 1-based): chr17:7,556,780, G>A. VCF-style: chr17-7556780-G-A. GRCh37 (hg19) VCF-style: chr17-7460097-G-A.
Other names: c.376G>A, p.Val126Met (NM_172089.4); short protein forms V126M.
Identifiers: ClinVar variation 2912513 (VCV002912513.3), dbSNP rs2508357666, ClinGen allele CA397860408.
Genomic context (GRCh38, chr17:7,556,780, plus strand): 5'-GGAGTGTGGGGGAGTCCTGTAGAGAGACGTTTCCTTATCTCTGAGCATCCGTGTTCAGGT[G>A]TGGACGGGACAGTGAGTGGCTGGGAGGAAGCCAGAATCAACAGCTCCAGCCCTCTGCGCT-3'
Protein context (NP_003800.1, residues 116-136): RPGQDGAQAG[Val126Met]DGTVSGWEEA

ClinVar aggregate classification (germline): Uncertain significance (1 of 4 stars; one submission).

Conditions:
Common variable immunodeficiency (CVID). Also called: Common variable hypogamma-globulinemia; Common variable agammaglobulinemia. Identifiers: Orphanet 1572, MedGen C0009447, MONDO:0015517.

Allele frequency attached by ClinVar (database versions not stated): gnomAD exomes below 0.00001.

Submission:

Labcorp Genetics (formerly Invitae), Labcorp
Classification: Uncertain significance for Common variable immunodeficiency. Last evaluated: 2024-05-18. Review status: criteria provided, single submitter. Criteria: Invitae Variant Classification Sherloc (09022015). Collection method: clinical testing. Allele origin: germline.
Comment: This sequence change replaces valine, which is neutral and non-polar, with methionine, which is neutral and non-polar, at codon 126 of the TNFSF12 protein (p.Val126Met). This variant is not present in population databases (gnomAD no frequency). This variant has not been reported in the literature in individuals affected with TNFSF12-related conditions. Algorithms developed to predict the effect of missense changes on protein structure and function output the following: SIFT: "Not Available"; PolyPhen-2: "Benign"; Align-GVGD: "Not Available". The methionine amino acid residue is found in multiple mammalian species, which suggests that this missense change does not adversely affect protein function. In summary, the available evidence is currently insufficient to determine the role of this variant in disease. Therefore, it has been classified as a Variant of Uncertain Significance.